The following is an entry in ClinVar:

ClinVar aggregate classification (germline): Uncertain significance (1 of 4 stars; one submission).

Conditions:
TMEM67-related disorder. Also called: TMEM67-related disorders; TMEM67-related condition. Identifiers: MedGen CN239423.

gnomAD v4.1: 1 of 1,614,108 alleles (0.000062%); highest among the groups gnomAD compares: South Asian, 0.0011%; no homozygotes.

Submission:

PreventionGenetics, part of Exact Sciences
Classification: Uncertain significance for TMEM67-related condition. Last evaluated: 2025-10-10. Review status: criteria provided, single submitter. Criteria: ACMG Guidelines, 2015. Collection method: clinical testing. Allele origin: germline.
Comment: The TMEM67 c.1595G>A variant is predicted to result in the amino acid substitution p.Gly532Asp. To our knowledge, this variant has not been reported in the literature. This variant is reported in 0.0033% of alleles in individuals of South Asian descent in gnomAD. This variant has been reported in two sibling fetuses with TMEM67-related phenotypes (Internal Data, PreventionGenetics). Although we suspect that this variant may be pathogenic, at this time, the clinical significance of this variant is uncertain due to the absence of conclusive functional and genetic evidence.

NM_153704.6(TMEM67):c.1595G>A (p.Gly532Asp)

Gene: TMEM67 (transmembrane protein 67; plus strand). Cytogenetic location: 8q22.1.
Variant type: single nucleotide variant.
Coding change: c.1595G>A on transcript NM_153704.6 (MANE Select); coding-DNA position 1595, G replaced by A.
Protein change: p.Gly532Asp; replaces glycine 532 with aspartic acid.
Molecular consequence: missense variant. On other transcripts: non-coding transcript variant (1).
Genome position (GRCh38, 1-based): chr8:93,793,217, G>A. VCF-style: chr8-93793217-G-A. GRCh37 (hg19) VCF-style: chr8-94805445-G-A.
Other names: c.1352G>A, p.Gly451Asp (NM_001142301.1); short protein forms G451D, G532D.
Identifiers: ClinVar variation 4997346 (VCV004997346.1).